The following is an entry in ClinVar:

ClinVar aggregate classification (germline): Uncertain significance (1 of 4 stars; one submission).

Conditions:
Multiple endocrine neoplasia type 4. Also called: MULTIPLE ENDOCRINE NEOPLASIA, TYPE IV. Identifiers: Orphanet 276152, MedGen C1970712, MONDO:0012552, OMIM 610755.

Submission:

Labcorp Genetics (formerly Invitae), Labcorp
Classification: Uncertain significance for Multiple endocrine neoplasia type 4. Last evaluated: 2021-11-05. Review status: criteria provided, single submitter. Criteria: Invitae Variant Classification Sherloc (09022015). Collection method: clinical testing. Allele origin: germline.
Comment: This variant has not been reported in the literature in individuals affected with CDKN1B-related conditions. This variant is not present in population databases (gnomAD no frequency). This sequence change replaces aspartic acid, which is acidic and polar, with glutamic acid, which is acidic and polar, at codon 176 of the CDKN1B protein (p.Asp176Glu). Algorithms developed to predict the effect of missense changes on protein structure and function output the following: SIFT: "Deleterious"; PolyPhen-2: "Benign"; Align-GVGD: "Class C0". The glutamic acid amino acid residue is found in multiple mammalian species, which suggests that this missense change does not adversely affect protein function. In summary, the available evidence is currently insufficient to determine the role of this variant in disease. Therefore, it has been classified as a Variant of Uncertain Significance. Experimental studies have shown that this missense change affects CDKN1B function (PMID: 26829051).

Literature cited by the submitters: PubMed 26829051.

NM_004064.5(CDKN1B):c.528C>G (p.Asp176Glu)

Gene: CDKN1B (cyclin dependent kinase inhibitor 1B; plus strand). Cytogenetic location: 12p13.1.
Variant type: single nucleotide variant.
Coding change: c.528C>G on transcript NM_004064.5 (MANE Select); coding-DNA position 528, C replaced by G.
Protein change: p.Asp176Glu; replaces aspartic acid 176 with glutamic acid.
Molecular consequence: missense variant.
Genome position (GRCh38, 1-based): chr12:12,718,877, C>G. VCF-style: chr12-12718877-C-G. GRCh37 (hg19) VCF-style: chr12-12871811-C-G.
Other names: short protein forms D176E.
Identifiers: ClinVar variation 1471431 (VCV001471431.6), dbSNP rs779413893, ClinGen allele CA383972961.